The following is an entry in ClinVar:

NM_020975.6(RET):c.7A>G (p.Lys3Glu)

Genes: RET (ret proto-oncogene; plus strand), LOC106736614 (RET 5' regulatory region; plus strand). Cytogenetic location: 10q11.21.
Variant type: single nucleotide variant.
Coding change: c.7A>G on transcript NM_020975.6 (MANE Select); coding-DNA position 7, A replaced by G.
Protein change: p.Lys3Glu; replaces lysine 3 with glutamic acid.
Molecular consequence: missense variant.
Genome position (GRCh38, 1-based): chr10:43,077,265, A>G. VCF-style: chr10-43077265-A-G. GRCh37 (hg19) VCF-style: chr10-43572713-A-G.
Other names: c.7A>G, p.Lys3Glu (NM_000323.2, NM_001406743.1, NM_001406744.1 and 38 more transcripts); short protein forms K3E.
Identifiers: ClinVar variation 584566 (VCV000584566.17), dbSNP rs1564480827, ClinGen allele CA376768005.

ClinVar aggregate classification (germline): Uncertain significance. Review status: criteria provided, multiple submitters, no conflicts (2 of 4 stars). 4 submissions from 4 submitters: Uncertain significance (4). Last evaluated 2024-08-06.

Conditions:
Multiple endocrine neoplasia, type 2 (MEN2). Identifiers: Orphanet 653, MedGen C4048306, MONDO:0019003. Disease mechanism: gain of function.
Hereditary cancer-predisposing syndrome. Also called: Neoplastic Syndromes, Hereditary; Hereditary Cancer Syndrome; Tumor predisposition; Hereditary neoplastic syndrome. Identifiers: Orphanet 140162, MedGen C0027672, MeSH D009386, MONDO:0015356.

Submissions (4):

All of Us Research Program, National Institutes of Health
Classification: Uncertain significance for Multiple endocrine neoplasia, type 2. Last evaluated: 2024-08-06. Review status: criteria provided, single submitter. Criteria: ACMG Guidelines, 2015. Collection method: clinical testing. Allele origin: germline. Inheritance: Autosomal dominant inheritance. Observed: 2 variant alleles, 2 heterozygotes.
Comment: This study involves interpretation of variants in research participants for the purpose of population health screening. Participant phenotype was not available at the time of variant classification. Additional details can be found in publication PMID: 35346344, PMCID: PMC8962531

Ambry Genetics
Classification: Uncertain significance for Hereditary cancer-predisposing syndrome. Last evaluated: 2024-06-13. Review status: criteria provided, single submitter. Criteria: Ambry Variant Classification Scheme 2023. Collection method: clinical testing. Allele origin: germline.
Comment: The p.K3E variant (also known as c.7A>G), located in coding exon 1 of the RET gene, results from an A to G substitution at nucleotide position 7. The lysine at codon 3 is replaced by glutamic acid, an amino acid with similar properties. This alteration has been reported as variant of uncertain significance in 1/1197 individuals from Greece, Romania, and Turkey undergoing evaluation for inherited cancer predisposition (Tsaousis GN et al. BMC Cancer, 2019 Jun;19:535). This amino acid position is well conserved in available vertebrate species. In addition, the in silico prediction for this alteration is inconclusive. Based on the available evidence, the clinical significance of this variant remains unclear.

Labcorp Genetics (formerly Invitae), Labcorp
Classification: Uncertain significance for Multiple endocrine neoplasia, type 2. Last evaluated: 2023-12-16. Review status: criteria provided, single submitter. Criteria: Invitae Variant Classification Sherloc (09022015). Collection method: clinical testing. Allele origin: germline.
Comment: This sequence change replaces lysine, which is basic and polar, with glutamic acid, which is acidic and polar, at codon 3 of the RET protein (p.Lys3Glu). This variant is not present in population databases (gnomAD no frequency). This missense change has been observed in individual(s) with RET-related conditions (PMID: 31159747). ClinVar contains an entry for this variant (Variation ID: 584566). An algorithm developed to predict the effect of missense changes on protein structure and function (PolyPhen-2) suggests that this variant is likely to be tolerated. In summary, the available evidence is currently insufficient to determine the role of this variant in disease. Therefore, it has been classified as a Variant of Uncertain Significance.

GeneKor MSA
Classification: Uncertain significance for Hereditary cancer-predisposing syndrome. Last evaluated: 2018-08-01. Review status: criteria provided, single submitter. Criteria: ACMG Guidelines, 2015. Collection method: clinical testing. Allele origin: germline. Affected: no.

Literature cited by the submitters: PubMed 31159747 (cited by Ambry Genetics and Labcorp Genetics (formerly Invitae), Labcorp).